The following is an entry in ClinVar:

NM_015178.3(RHOBTB2):c.979C>T (p.His327Tyr)

Gene: RHOBTB2 (Rho related BTB domain containing 2; plus strand). Cytogenetic location: 8p21.3.
Variant type: single nucleotide variant.
Coding change: c.979C>T on transcript NM_015178.3 (MANE Select); coding-DNA position 979, C replaced by T.
Protein change: p.His327Tyr; replaces histidine 327 with tyrosine.
Molecular consequence: missense variant.
Genome position (GRCh38, 1-based): chr8:23,007,224, C>T. VCF-style: chr8-23007224-C-T. GRCh37 (hg19) VCF-style: chr8-22864737-C-T.
Other names: c.1045C>T (NM_001160036.1); c.1045C>T, p.His349Tyr (NM_001160036.2); c.1000C>T, p.His334Tyr (NM_001160037.2); c.979C>T, p.His327Tyr (NM_001374791.1); short protein forms H327Y, H334Y, H349Y.
Identifiers: ClinVar variation 1368260 (VCV001368260.9), dbSNP rs553849595, ClinGen allele CA4672579.

ClinVar aggregate classification (germline): Conflicting classifications of pathogenicity. Review status: criteria provided, conflicting classifications (1 of 4 stars). 2 submissions from 2 submitters: Uncertain significance (1); Likely benign (1). Last evaluated 2025-12-22.

Conditions:
Inborn genetic diseases. Identifiers: MedGen C0950123, MeSH D030342.

Allele frequency attached by ClinVar (database versions not stated): gnomAD 0.00002 and 0.00003; gnomAD exomes 0.00002 and 0.00003; TOPMed 0.00002; ExAC 0.00003; 1000 Genomes Project 30x 0.00016; 1000 Genomes Project 0.00020.
gnomAD v4.1: 42 of 1,608,754 alleles (0.0026%); highest among the groups gnomAD compares: Admixed American, 0.015%; no homozygotes.

Submissions (2):

Labcorp Genetics (formerly Invitae), Labcorp
Classification: Uncertain significance. Last evaluated: 2025-12-22. Review status: criteria provided, single submitter. Criteria: Invitae Variant Classification Sherloc (09022015). Collection method: clinical testing. Allele origin: germline.
Comment: This sequence change replaces histidine, which is basic and polar, with tyrosine, which is neutral and polar, at codon 349 of the RHOBTB2 protein (p.His349Tyr). This variant is present in population databases (rs553849595, gnomAD 0.01%). This variant has not been reported in the literature in individuals affected with RHOBTB2-related conditions. ClinVar contains an entry for this variant (Variation ID: 1368260). An algorithm developed to predict the effect of missense changes on protein structure and function outputs the following: PolyPhen-2: "Benign". The tyrosine amino acid residue is found in multiple mammalian species, which suggests that this missense change does not adversely affect protein function. In summary, the available evidence is currently insufficient to determine the role of this variant in disease. Therefore, it has been classified as a Variant of Uncertain Significance.

Ambry Genetics
Classification: Likely benign for Inborn genetic diseases. Last evaluated: 2021-09-09. Review status: criteria provided, single submitter. Criteria: Ambry Variant Classification Scheme 2023. Collection method: clinical testing. Allele origin: germline.